The following is an entry in ClinVar:

ClinVar aggregate classification (germline): Likely pathogenic (1 of 4 stars; one submission).

Conditions:
Focal segmental glomerulosclerosis 3, susceptibility to (FSGS3). Identifiers: Orphanet 656, MedGen C1842982, MONDO:0011917, OMIM 607832.

gnomAD v4.1: 1 of 1,613,042 alleles (0.000062%); highest among the groups gnomAD compares: Admixed American, 0.0017%; no homozygotes.

Submission:

3billion
Classification: Likely pathogenic for Focal segmental glomerulosclerosis 3, susceptibility to. Last evaluated: 2025-07-29. Review status: criteria provided, single submitter. Criteria: ACMG Guidelines, 2015. Collection method: clinical testing. Allele origin: germline. Affected: yes.
Comment: The variant is observed at an extremely low frequency in the gnomAD v4.1.0 dataset (total allele frequency: <0.001%). Predicted Consequence/Location: Canonical splice site: predicted to alter splicing and result in a loss or disruption of normal protein function. Multiple pathogenic loss-of-function variants are reported downstream of the variant. In silico tools predict the variant to alter splicing and produce an abnormal transcript [SpliceAI: 0.99 (spliceogenicity >=0.2, non-spliceogenicity <0.1)]. Therefore, this variant is classified as Likely pathogenic according to the recommendation of ACMG/AMP guideline.

NM_012120.3(CD2AP):c.729+1G>T

Gene: CD2AP (CD2 associated protein; plus strand). Cytogenetic location: 6p12.3.
Variant type: single nucleotide variant.
Coding change: c.729+1G>T on transcript NM_012120.3 (MANE Select); the canonical splice donor site of the intron after coding-DNA position 729, G replaced by T.
Molecular consequence: splice donor variant.
Genome position (GRCh38, 1-based): chr6:47,574,252, G>T. VCF-style: chr6-47574252-G-T. GRCh37 (hg19) VCF-style: chr6-47541988-G-T.
Identifiers: ClinVar variation 4854354 (VCV004854354.1).